The following is an entry in ClinVar:

NM_014141.6(CNTNAP2):c.636del (p.Ile212fs)

Gene: CNTNAP2 (contactin associated protein 2; plus strand). Cytogenetic location: 7q35.
Variant type: Deletion.
Coding change: c.636del on transcript NM_014141.6 (MANE Select); coding-DNA position 636, one base deleted (T; older notation c.636delT).
Protein change: p.Ile212fs; shifts the reading frame from isoleucine 212.
Molecular consequence: frameshift variant.
Genome position (GRCh38, 1-based): chr7:147,108,232, T deleted; the last of 2 consecutive T bases (chr7:147,108,231-147,108,232); deleting either gives the same sequence. VCF-style (leftmost placement, unchanged base first): chr7-147108230-AT-A. GRCh37 (hg19) VCF-style: chr7-146805322-AT-A.
Other names: short protein forms I212fs.
Identifiers: ClinVar variation 650946 (VCV000650946.9), dbSNP rs1584848275, ClinGen allele CA915945549.

ClinVar aggregate classification (germline): Pathogenic (1 of 4 stars; one submission).

Conditions:
Cortical dysplasia-focal epilepsy syndrome (PTHSL1). Also called: Pitt-Hopkins-like syndrome 1. Identifiers: Orphanet 163681, Orphanet 221150, MedGen C2750246, MONDO:0012400, OMIM 610042.

Submission:

Labcorp Genetics (formerly Invitae), Labcorp
Classification: Pathogenic for Cortical dysplasia-focal epilepsy syndrome. Last evaluated: 2019-01-31. Review status: criteria provided, single submitter. Criteria: Invitae Variant Classification Sherloc (09022015). Collection method: clinical testing. Allele origin: germline.
Comment: For these reasons, this variant has been classified as Pathogenic. Loss-of-function variants in CNTNAP2 are known to be pathogenic (PMID: 19896112, 21827697, 25045150, 26843181, 27439707). This variant has not been reported in the literature in individuals with CNTNAP2-related conditions. This variant is not present in population databases (ExAC no frequency). This sequence change creates a premature translational stop signal (p.Ile212Metfs*3) in the CNTNAP2 gene. It is expected to result in an absent or disrupted protein product.

Literature cited by the submitters: PubMed 19896112; PubMed 21827697; PubMed 25045150; PubMed 26843181; PubMed 27439707.